The following is an entry in ClinVar:

ClinVar aggregate classification (germline): Benign. Review status: criteria provided, multiple submitters, no conflicts (2 of 4 stars). 6 submissions from 5 submitters: Benign (6). Last evaluated 2026-01-20.

Conditions:
Brachydactyly type B1 (BDB1). Identifiers: Orphanet 572385, Orphanet 93383, MedGen C1862112, MONDO:0007220, OMIM 113000.
Autosomal recessive Robinow syndrome (RRS1). Also called: ROR2-Related Robinow Syndrome; COSTOVERTEBRAL SEGMENTATION DEFECT WITH MESOMELIA; COVESDEM SYNDROME; ROBINOW SYNDROME, AUTOSOMAL RECESSIVE 1. Identifiers: Orphanet 1507, Orphanet 97360, MedGen C5399974, MONDO:0009999, OMIM 268310.

Allele frequency attached by ClinVar (database versions not stated): ESP Exome Variant Server 0.00046; gnomAD 0.00174 and 0.00249; gnomAD exomes 0.00217 and 0.00470; TOPMed 0.00285; ExAC 0.00478; 1000 Genomes Project 30x 0.00953; 1000 Genomes Project 0.01018.
gnomAD v4.1: 3,537 of 1,614,146 alleles (0.22%); highest among the groups gnomAD compares: East Asian, 6.6%; 104 homozygotes.

Submissions (10):

Labcorp Genetics (formerly Invitae), Labcorp
Classification: Benign. Last evaluated: 2026-01-20. Review status: criteria provided, single submitter. Criteria: Invitae Variant Classification Sherloc (09022015). Collection method: clinical testing. Allele origin: germline.

GeneDx
Classification: Benign. Last evaluated: 2021-02-06. Review status: criteria provided, single submitter. Criteria: GeneDx Variant Classification Process June 2021. Collection method: clinical testing. Allele origin: germline. Affected: yes.

Illumina Laboratory Services, Illumina
Classification: Benign for Autosomal recessive Robinow syndrome. Last evaluated: 2018-01-13. Review status: criteria provided, single submitter. Criteria: ICSL Variant Classification Criteria 13 December 2019. Collection method: clinical testing. Allele origin: germline.
Comment: This variant was observed in the ICSL laboratory as part of a predisposition screen in an ostensibly healthy population. It had not been previously curated by ICSL or reported in the Human Gene Mutation Database (HGMD: prior to June 1st, 2018), and was therefore a candidate for classification through an automated scoring system. Utilizing variant allele frequency, disease prevalence and penetrance estimates, and inheritance mode, an automated score was calculated to assess if this variant is too frequent to cause the disease. Based on the score and internal cut-off values, a variant classified as benign is not then subjected to further curation. The score for this variant resulted in a classification of benign for this disease.

Illumina Laboratory Services, Illumina
Classification: Benign for Brachydactyly type B1. Last evaluated: 2018-01-13. Review status: criteria provided, single submitter. Criteria: ICSL Variant Classification Criteria 13 December 2019. Collection method: clinical testing. Allele origin: germline.
Comment: the same text as in the submission from Illumina Laboratory Services, Illumina above.

Eurofins Ntd Llc (ga)
Classification: Benign. Last evaluated: 2016-01-06. Review status: criteria provided, single submitter. Criteria: EGL Classification Definitions 2015. Collection method: clinical testing. Allele origin: germline. Observed: 1 variant allele, 1 heterozygote.

Genetic Services Laboratory, University of Chicago
Classification: Benign. Last evaluated: 2013-02-08. Review status: criteria provided, single submitter. Criteria: ACMG Guidelines, 2007. Collection method: clinical testing. Allele origin: germline. Inheritance: Autosomal recessive inheritance.

Dr. Peter K. Rogan Lab, Western University
No classification provided (evidence only). Condition: Thyroid cancer, nonmedullary, 1. Review status: no classification provided. Collection method: in vitro. Allele origin: not applicable. Functional consequence: retained intron. Not counted in ClinVar's aggregate classification.

Dr. Peter K. Rogan Lab, Western University
No classification provided (evidence only). Condition: Thyroid cancer, nonmedullary, 1. Review status: no classification provided. Collection method: in vitro. Allele origin: not applicable. Functional consequence: retained intron. Not counted in ClinVar's aggregate classification.

Dr. Peter K. Rogan Lab, Western University
No classification provided (evidence only). Condition: Thyroid cancer, nonmedullary, 1. Review status: no classification provided. Collection method: in vitro. Allele origin: not applicable. Functional consequence: retained intron. Not counted in ClinVar's aggregate classification.

Dr. Peter K. Rogan Lab, Western University
No classification provided (evidence only). Condition: Malignant tumor of esophagus. Review status: no classification provided. Collection method: in vitro. Allele origin: not applicable. Functional consequence: retained intron. Not counted in ClinVar's aggregate classification.

NM_004560.4(ROR2):c.2083G>A (p.Gly695Arg)

Gene: ROR2 (receptor tyrosine kinase like orphan receptor 2; minus strand). Cytogenetic location: 9q22.31.
Variant type: single nucleotide variant.
Coding change: c.2083G>A on transcript NM_004560.4 (MANE Select); coding-DNA position 2083, G replaced by A.
Protein change: p.Gly695Arg; replaces glycine 695 with arginine.
Molecular consequence: missense variant.
Genome position (GRCh38, 1-based): chr9:91,724,411, C>T on the plus strand (G>A on the coding strand, the complement: ROR2 is on the minus strand). VCF-style: chr9-91724411-C-T. GRCh37 (hg19) VCF-style: chr9-94486693-C-T.
Other names: short protein forms G695R.
Identifiers: ClinVar variation 159814 (VCV000159814.25), dbSNP rs34431454, ClinGen allele CA173320.